The following is an entry in ClinVar:

ClinVar aggregate classification (germline): Conflicting classifications of pathogenicity. Review status: criteria provided, conflicting classifications (1 of 4 stars). 3 submissions from 3 submitters: Pathogenic (1); Uncertain significance (1). 1 of the submissions does not count toward it. Last evaluated 2025-10-28.

Conditions:
COL7A1-related disorder. Also called: COL7A1-related condition; COL7A1- related disorders.
Inborn genetic diseases. Identifiers: MedGen C0950123, MeSH D030342.

Allele frequency attached by ClinVar (database versions not stated): TOPMed below 0.00001; ExAC 0.00001; gnomAD 0.00001; gnomAD exomes 0.00002.
gnomAD v4.1: 7 of 1,614,080 alleles (0.00043%); highest among the groups gnomAD compares: Admixed American, 0.0083%; no homozygotes.

Submissions (3):

Ambry Genetics
Classification: Uncertain significance for Inborn genetic diseases. Last evaluated: 2025-10-28. Review status: criteria provided, single submitter. Criteria: Ambry Variant Classification Scheme 2023. Collection method: clinical testing. Allele origin: germline.
Comment: The c.8654G>A (p.C2885Y) alteration is located in exon 117 (coding exon 117) of the COL7A1 gene. This alteration results from a G to A substitution at nucleotide position 8654, causing the cysteine (C) at amino acid position 2885 to be replaced by a tyrosine (Y). Based on data from gnomAD, the A allele has an overall frequency of 0.002% (5/251096) total alleles studied. The highest observed frequency was 0.016% (1/6128) of Other alleles. Based on insufficient or conflicting evidence, the clinical significance of this alteration remains unclear.

Labcorp Genetics (formerly Invitae), Labcorp
Classification: Pathogenic. Last evaluated: 2023-05-13. Review status: criteria provided, single submitter. Criteria: Invitae Variant Classification Sherloc (09022015). Collection method: clinical testing. Allele origin: germline.
Comment: For these reasons, this variant has been classified as Pathogenic. Advanced modeling of protein sequence and biophysical properties (such as structural, functional, and spatial information, amino acid conservation, physicochemical variation, residue mobility, and thermodynamic stability) performed at Invitae indicates that this missense variant is expected to disrupt COL7A1 protein function. ClinVar contains an entry for this variant (Variation ID: 1496972). This missense change has been observed in individual(s) with clinical features of autosomal recessive epidermolysis bullosa dystrophica (Invitae). In at least one individual the data is consistent with being in trans (on the opposite chromosome) from a pathogenic variant. This variant is present in population databases (rs749519562, gnomAD 0.01%). This sequence change replaces cysteine, which is neutral and slightly polar, with tyrosine, which is neutral and polar, at codon 2885 of the COL7A1 protein (p.Cys2885Tyr).

PreventionGenetics, part of Exact Sciences
Classification: Uncertain significance for COL7A1-related condition. Last evaluated: 2024-02-15. Review status: no assertion criteria provided. Collection method: clinical testing. Allele origin: germline. Not counted in ClinVar's aggregate classification.
Comment: The COL7A1 c.8654G>A variant is predicted to result in the amino acid substitution p.Cys2885Tyr. To our knowledge, this variant has not been reported in the literature. This variant is reported in 0.012% of alleles in individuals of Latino descent in gnomAD. At this time, the clinical significance of this variant is uncertain due to the absence of conclusive functional and genetic evidence.

NM_000094.4(COL7A1):c.8654G>A (p.Cys2885Tyr)

Gene: COL7A1 (collagen type VII alpha 1 chain; minus strand). Cytogenetic location: 3p21.31.
Variant type: single nucleotide variant.
Coding change: c.8654G>A on transcript NM_000094.4 (MANE Select); coding-DNA position 8654, G replaced by A.
Protein change: p.Cys2885Tyr; replaces cysteine 2885 with tyrosine.
Molecular consequence: missense variant.
Genome position (GRCh38, 1-based): chr3:48,564,947, C>T on the plus strand (G>A on the coding strand, the complement: COL7A1 is on the minus strand). VCF-style: chr3-48564947-C-T. GRCh37 (hg19) VCF-style: chr3-48602380-C-T.
Other names: c.8654G>A (NM_000094.3); short protein forms C2885Y.
Identifiers: ClinVar variation 1496972 (VCV001496972.11), dbSNP rs749519562, ClinGen allele CA2377903.